The following is an entry in ClinVar:

ClinVar aggregate classification (germline): Benign (1 of 4 stars; one submission).

Allele frequency attached by ClinVar (database versions not stated): gnomAD 0.04940; TOPMed 0.05327; 1000 Genomes Project 0.05990; 1000 Genomes Project 30x 0.06387.
gnomAD v4.1: 7,608 of 152,238 alleles (5%); highest among the groups gnomAD compares: African/African-American, 17%; 622 homozygotes.

Submission:

GeneDx
Classification: Benign. Last evaluated: 2018-06-19. Review status: criteria provided, single submitter. Criteria: GeneDx Variant Classification (06012015). Collection method: clinical testing. Allele origin: germline. Affected: yes.
Comment: This variant is considered likely benign or benign based on one or more of the following criteria: it is a conservative change, it occurs at a poorly conserved position in the protein, it is predicted to be benign by multiple in silico algorithms, and/or has population frequency not consistent with disease.

NM_004614.5(TK2):c.375+227T>A

Gene: TK2 (thymidine kinase 2; minus strand). Cytogenetic location: 16q21.
Variant type: single nucleotide variant.
Coding change: c.375+227T>A on transcript NM_004614.5 (MANE Select); 227 bases into the intron after coding-DNA position 375, T replaced by A.
Molecular consequence: intron variant.
Genome position (GRCh38, 1-based): chr16:66,531,153, A>T on the plus strand (T>A on the coding strand, the complement: TK2 is on the minus strand). VCF-style: chr16-66531153-A-T. GRCh37 (hg19) VCF-style: chr16-66565056-A-T.
Other names: c.282+227T>A (NM_001271935.1, NM_001172643.1); c.300+227T>A (NM_001172644.2); c.321+227T>A (NM_001172645.2); c.228+227T>A (NM_001271934.2); c.84+227T>A (NM_001272050.2).
Identifiers: ClinVar variation 679964 (VCV000679964.1), dbSNP rs78005554, ClinGen allele CA282189086.
Genomic context (GRCh38, chr16:66,531,153, plus strand): 5'-GAACTGAGTTAAACGGCATTAAGCCCAGCAGTGGTCAGGTCATAAAGATGTGAGCTCAGA[A>T]TGGTGGCAGGGGCACCACCTGGCTGGCTGAGGTTTGCAGGTGGGGGCACTAGAGGCAGGT-3'